The following is an entry in ClinVar:

ClinVar aggregate classification (germline): Likely benign (1 of 4 stars; one submission).

Submission:

GeneDx
Classification: Likely benign. Last evaluated: 2016-09-21. Review status: criteria provided, single submitter. Criteria: GeneDx Variant Classification (06012015). Collection method: clinical testing. Allele origin: germline. Affected: yes.
Comment: This variant is considered likely benign or benign based on one or more of the following criteria: it is a conservative change, it occurs at a poorly conserved position in the protein, it is predicted to be benign by multiple in silico algorithms, and/or has population frequency not consistent with disease.

NM_001130438.3(SPTAN1):c.4083G>A (p.Leu1361=)

Gene: SPTAN1 (spectrin alpha, non-erythrocytic 1; plus strand). Cytogenetic location: 9q34.11.
Variant type: single nucleotide variant.
Coding change: c.4083G>A on transcript NM_001130438.3 (MANE Select); coding-DNA position 4083, G replaced by A.
Protein change: p.Leu1361=; no amino-acid change (leucine 1361 retained).
Molecular consequence: synonymous variant.
Genome position (GRCh38, 1-based): chr9:128,607,640, G>A. VCF-style: chr9-128607640-G-A. GRCh37 (hg19) VCF-style: chr9-131369919-G-A.
Other names: c.4023G>A, p.Leu1341= (NM_001195532.2, NM_001363765.2); c.4083G>A, p.Leu1361= (NM_001363759.2, NM_003127.4).
Identifiers: ClinVar variation 389488 (VCV000389488.1), dbSNP rs1057523448, ClinGen allele CA16605358.